The following is an entry in ClinVar:

NM_001365536.1(SCN9A):c.5817G>T (p.Glu1939Asp)

Genes: SCN9A (sodium voltage-gated channel alpha subunit 9; minus strand), SCN1A-AS1 (SCN1A and SCN9A antisense RNA 1; plus strand). Cytogenetic location: 2q24.3.
Variant type: single nucleotide variant.
Coding change: c.5817G>T on transcript NM_001365536.1 (MANE Select); coding-DNA position 5817, G replaced by T.
Protein change: p.Glu1939Asp; replaces glutamic acid 1939 with aspartic acid.
Molecular consequence: missense variant.
Genome position (GRCh38, 1-based): chr2:166,198,822, C>A on the plus strand (G>T on the coding strand, the complement: SCN9A is on the minus strand). VCF-style: chr2-166198822-C-A. GRCh37 (hg19) VCF-style: chr2-167055332-C-A.
Other names: c.5784G>T, p.Glu1928Asp (NM_002977.4); short protein forms E1928D, E1939D.
Identifiers: ClinVar variation 408587 (VCV000408587.7), dbSNP rs1060502051, ClinGen allele CA16610173.

ClinVar aggregate classification (germline): Uncertain significance (1 of 4 stars; one submission).

Conditions:
Neuropathy, hereditary sensory and autonomic, type 2A (HSAN2A). Also called: WNK1-Related HSAN2 (HSAN2A); ACROOSTEOLYSIS, GIACCAI TYPE; ACROOSTEOLYSIS, NEUROGENIC; MORVAN DISEASE; NEUROPATHY, CONGENITAL SENSORY; NEUROPATHY, HEREDITARY SENSORY RADICULAR, AUTOSOMAL RECESSIVE. Identifiers: Orphanet 970, MedGen C2752089, MONDO:0024309, OMIM 201300.
Generalized epilepsy with febrile seizures plus, type 7 (GEFSP7). Also called: GEFS+, TYPE 7. Identifiers: Orphanet 36387, MedGen C2751778, MONDO:0013470, OMIM 613863.

Submission:

Labcorp Genetics (formerly Invitae), Labcorp
Classification: Uncertain significance for Neuropathy, hereditary sensory and autonomic, type 2A; Generalized epilepsy with febrile seizures plus, type 7. Last evaluated: 2016-05-18. Review status: criteria provided, single submitter. Criteria: Invitae Variant Classification Sherloc (09022015). Collection method: clinical testing. Allele origin: germline.
Comment: In summary, this variant is a novel missense change that is not predicted to affect protein function. There is no indication that it causes disease, but the available evidence is currently insufficient to prove that conclusively. Therefore, it has been classified as a Variant of Uncertain Significance. This variant is not present in population databases (ExAC no frequency) and has not been reported in the literature in individuals with a SCN9A-related disease. Algorithms developed to predict the effect of missense changes on protein structure and function (SIFT, PolyPhen-2, Align-GVGD) all suggest that this variant is likely to be tolerated, but these predictions have not been confirmed by published functional studies. This sequence change replaces glutamic acid with aspartic acid at codon 1928 of the SCN9A protein (p.Glu1928Asp). The glutamic acid residue is highly conserved and there is a small physicochemical difference between glutamic acid and aspartic acid.